The following is an entry in ClinVar:

ClinVar aggregate classification (germline): Likely pathogenic (1 of 4 stars; one submission).

Conditions:
Congenital disorder of glycosylation, type Ii. Also called: ALG2-congenital disorder of glycosylation; CDG Ii; ALG2-CDG. Identifiers: Orphanet 79326, MedGen C1842836, MONDO:0011933, OMIM 607906.
Congenital myasthenic syndrome 14. Also called: Myasthenic syndrome, congenital, 14, with tubular aggregates. Identifiers: Orphanet 353327, Orphanet 590, MedGen C4015597, MONDO:0014543, OMIM 616228.

Submission:

First Genomix Gene Laboratory, Genetic Diagnostics Department
Classification: Likely pathogenic for Congenital disorder of glycosylation, type Ii; Congenital myasthenic syndrome 14. Last evaluated: 2025-08-21. Review status: criteria provided, single submitter. Criteria: ACMG Guidelines, 2015. Collection method: clinical testing. Allele origin: germline. Inheritance: Autosomal recessive inheritance. Affected: no. Observed: 1 variant allele.

NM_033087.4(ALG2):c.359_365del (p.Ala119_Cys120insTer)

Gene: ALG2 (ALG2 alpha-1,3/1,6-mannosyltransferase; minus strand). Cytogenetic location: 9q22.33.
Variant type: Deletion.
Coding change: c.359_365del on transcript NM_033087.4 (MANE Select); coding-DNA positions 359 to 365, 7 bases deleted (GTATCCC; older notation c.359_365delGTATCCC).
Protein change: p.Ala119_Cys120insTer.
Molecular consequence: nonsense. On other transcripts: non-coding transcript variant (1).
Genome position (GRCh38, 1-based): chr9:99,218,820-99,218,826, GGGATAC deleted on the plus strand (GTATCCC on the coding strand, the reverse complement: ALG2 is on the minus strand). VCF-style (leftmost placement, unchanged base first): chr9-99218819-TGGGATAC-T. GRCh37 (hg19) VCF-style: chr9-101981101-TGGGATAC-T.
Other names: c.359_365delGTATCCC (NM_033087.4).
Identifiers: ClinVar variation 4850399 (VCV004850399.1).